The following is an entry in ClinVar:

ClinVar aggregate classification (germline): Likely benign (1 of 4 stars; one submission).

Conditions:
GATA3-related disorder. Also called: GATA3-related condition.

gnomAD v4.1: 9 of 1,559,282 alleles (0.00058%); highest among the groups gnomAD compares: South Asian, 0.011%; no homozygotes.

Submission:

PreventionGenetics, part of Exact Sciences
Classification: Likely benign for GATA3-related condition. Last evaluated: 2025-11-11. Review status: criteria provided, single submitter. Criteria: ACMG Guidelines, 2015. Collection method: clinical testing. Allele origin: germline.
Comment: This variant is classified as likely benign based on ACMG/AMP sequence variant interpretation guidelines (Richards et al. 2015 PMID: 25741868, with internal and published modifications).

NM_001002295.2(GATA3):c.36C>T (p.Ser12=)

Gene: GATA3 (GATA binding protein 3; plus strand). Cytogenetic location: 10p14.
Variant type: single nucleotide variant.
Coding change: c.36C>T on transcript NM_001002295.2 (MANE Select); coding-DNA position 36, C replaced by T.
Protein change: p.Ser12=; no amino-acid change (serine 12 retained).
Molecular consequence: synonymous variant.
Genome position (GRCh38, 1-based): chr10:8,055,691, C>T. VCF-style: chr10-8055691-C-T. GRCh37 (hg19) VCF-style: chr10-8097654-C-T.
Other names: c.36C>T, p.Ser12= (NM_001441115.1, NM_001441116.1, NM_001441117.1 and 18 more transcripts).
Identifiers: ClinVar variation 4987700 (VCV004987700.1).